The following is an entry in ClinVar:

NM_000429.3(MAT1A):c.1140C>T (p.Phe380=)

Genes: MAT1A (methionine adenosyltransferase 1A; minus strand), LOC126860980 (CDK7 strongly-dependent group 2 enhancer GRCh37_chr10:82032694-82033893; plus strand). Cytogenetic location: 10q22.3.
Variant type: single nucleotide variant.
Coding change: c.1140C>T on transcript NM_000429.3 (MANE Select); coding-DNA position 1140, C replaced by T.
Protein change: p.Phe380=; no amino-acid change (phenylalanine 380 retained).
Molecular consequence: synonymous variant.
Genome position (GRCh38, 1-based): chr10:80,273,829, G>A on the plus strand (C>T on the coding strand, the complement: MAT1A is on the minus strand). VCF-style: chr10-80273829-G-A. GRCh37 (hg19) VCF-style: chr10-82033585-G-A.
Identifiers: ClinVar variation 772426 (VCV000772426.14), dbSNP rs368336046, ClinGen allele CA5576591.
Genomic context (GRCh38, chr10:80,273,829, plus strand): 5'-CTCCCCCTGGCTCTAAAATACAAGCTTCCTGGGAACCTCCCATGGGAACTCGCTTCTTCC[G>A]AAATGGCCGTAGCATGCTGTCTTCTGGTAGATGGGCTTCTTCAAGTCCAAATCCCTGCAT-3'
Protein context (NP_000420.1, residues 370-390): IYQKTACYGH[Phe380=]GRSEFPWEVP

ClinVar aggregate classification (germline): Likely benign. Review status: criteria provided, multiple submitters, no conflicts (2 of 4 stars). 3 submissions from 3 submitters: Likely benign (2). 1 of the submissions does not count toward it. Last evaluated 2025-07-31.

Conditions:
MAT1A-related disorder. Also called: MAT1A-related condition.
Hepatic methionine adenosyltransferase deficiency. Also called: Methionine adenosyltransferase deficiency; MAT I/III DEFICIENCY; Deficiency of methionine adenosyltransferase; Isolated Persistent Hypermethioninemia. Identifiers: Orphanet 168598, MedGen C0268621, MeSH C564683, MONDO:0009607, OMIM 250850.

Allele frequency attached by ClinVar (database versions not stated): gnomAD exomes 0.00005 and 0.00010; gnomAD 0.00006 and 0.00007; ExAC 0.00007; TOPMed 0.00009.
gnomAD v4.1: 140 of 1,613,818 alleles (0.0087%); highest among the groups gnomAD compares: East Asian, 0.029%; 1 homozygote.

Submissions (3):

Labcorp Genetics (formerly Invitae), Labcorp
Classification: Likely benign for Hepatic methionine adenosyltransferase deficiency. Last evaluated: 2025-07-31. Review status: criteria provided, single submitter. Criteria: Invitae Variant Classification Sherloc (09022015). Collection method: clinical testing. Allele origin: germline.

Blueprint Genetics
Classification: Likely benign. Last evaluated: 2024-06-18. Review status: criteria provided, single submitter. Criteria: ACMG Guidelines, 2015. Collection method: clinical testing. Allele origin: germline.

PreventionGenetics, part of Exact Sciences
Classification: Likely benign for MAT1A-related condition. Last evaluated: 2019-02-21. Review status: no assertion criteria provided. Collection method: clinical testing. Allele origin: germline. Not counted in ClinVar's aggregate classification.
Comment: This variant is classified as likely benign based on ACMG/AMP sequence variant interpretation guidelines (Richards et al. 2015 PMID: 25741868, with internal and published modifications).